The following is an entry in ClinVar:

ClinVar aggregate classification (germline): Pathogenic (1 of 4 stars; one submission).

Conditions:
Diamond-Blackfan anemia. Also called: Blackfan Diamond syndrome; Aregenerative anemia chronic congenital; Red cell aplasia, pure hereditary; Congenital hypoplastic anemia; Aase syndrome. Identifiers: Orphanet 124, MedGen C1260899, MeSH D029503, MONDO:0015253, HP:0004810.
GATA binding protein 1 related thrombocytopenia with dyserythropoiesis. Also called: GATA1-Related X-Linked Cytopenia; GATA1-Related Cytopenia. Identifiers: MedGen C1845837, MONDO:0100089.

Submission:

Labcorp Genetics (formerly Invitae), Labcorp
Classification: Pathogenic for GATA binding protein 1 related thrombocytopenia with dyserythropoiesis; Diamond-Blackfan anemia. Last evaluated: 2022-04-12. Review status: criteria provided, single submitter. Criteria: Invitae Variant Classification Sherloc (09022015). Collection method: clinical testing. Allele origin: germline.
Comment: For these reasons, this variant has been classified as Pathogenic. This variant has not been reported in the literature in individuals affected with GATA1-related conditions. This variant is not present in population databases (gnomAD no frequency). This sequence change creates a premature translational stop signal (p.Ala59Glnfs*85) in the GATA1 gene. It is expected to result in an absent or disrupted protein product. Loss-of-function variants in GATA1 are known to be pathogenic (PMID: 16783379, 22706301, 23704091, 24453067).

Literature cited by the submitters: PubMed 16783379; PubMed 22706301; PubMed 23704091; PubMed 24453067.

NM_002049.4(GATA1):c.155_174dup (p.Ala59fs)

Gene: GATA1 (GATA binding protein 1; plus strand). Cytogenetic location: Xp11.23.
Variant type: Duplication.
Coding change: c.155_174dup on transcript NM_002049.4 (MANE Select); coding-DNA positions 155 to 174, 20 bases duplicated (CAGCCACCGCTGCAGCTGCG).
Protein change: p.Ala59fs; shifts the reading frame from alanine 59.
Molecular consequence: frameshift variant.
Genome position (GRCh38, 1-based): chrX:48,791,264-48,791,283, CAGCCACCGCTGCAGCTGCG duplicated. VCF-style (leftmost placement, unchanged base first): chrX-48791263-A-ACAGCCACCGCTGCAGCTGCG. GRCh37 (hg19) VCF-style: chrX-48649670-A-ACAGCCACCGCTGCAGCTGCG.
Other names: short protein forms A59fs.
Identifiers: ClinVar variation 2125356 (VCV002125356.4), dbSNP rs2519343771, ClinGen allele CA2580101158.